The following is an entry in ClinVar:

ClinVar aggregate classification (germline): Benign. Review status: criteria provided, multiple submitters, no conflicts (2 of 4 stars). 2 submissions from 2 submitters: Benign (2). Last evaluated 2018-06-19.

Allele frequency attached by ClinVar (database versions not stated): gnomAD 0.23648 and 0.22804; TOPMed 0.24187; 1000 Genomes Project 30x 0.26889; 1000 Genomes Project 0.27256; gnomAD exomes 0.28214.

Submissions (2):

GeneDx
Classification: Benign. Last evaluated: 2018-06-19. Review status: criteria provided, single submitter. Criteria: GeneDx Variant Classification (06012015). Collection method: clinical testing. Allele origin: germline. Affected: yes.
Comment: This variant is considered likely benign or benign based on one or more of the following criteria: it is a conservative change, it occurs at a poorly conserved position in the protein, it is predicted to be benign by multiple in silico algorithms, and/or has population frequency not consistent with disease.

Breakthrough Genomics
Classification: Benign. Review status: criteria provided, single submitter. Criteria: ACMG Guidelines, 2015. Collection method: not provided. Allele origin: germline. Inheritance: Autosomal recessive inheritance. Affected: yes.

NM_000751.3(CHRND):c.198+79A>G

Gene: CHRND (cholinergic receptor nicotinic delta subunit; plus strand). Cytogenetic location: 2q37.1.
Variant type: single nucleotide variant.
Coding change: c.198+79A>G on transcript NM_000751.3 (MANE Select); 79 bases into the intron after coding-DNA position 198, A replaced by G.
Molecular consequence: intron variant.
Genome position (GRCh38, 1-based): chr2:232,526,753, A>G. VCF-style: chr2-232526753-A-G. GRCh37 (hg19) VCF-style: chr2-233391463-A-G.
Other names: c.-74+79A>G (NM_001311195.2, NM_001311196.2); c.198+79A>G (NM_001256657.2).
Identifiers: ClinVar variation 680135 (VCV000680135.2), dbSNP rs2278478, ClinGen allele CA11174370.